The following is an entry in ClinVar:

ClinVar aggregate classification (germline): Uncertain significance (1 of 4 stars; one submission).

Conditions:
Idiopathic Pulmonary Fibrosis. Also called: Idiopathic fibrosing alveolitis, chronic form; idiopathic fibrosing alveolitis. Identifiers: Orphanet 2032, MedGen C1800706, MeSH D054990, MONDO:0800504.
Dyskeratosis congenita, autosomal dominant 2. Identifiers: MedGen C3151443, MONDO:0013521, OMIM 613989.

Allele frequency attached by ClinVar (database versions not stated): gnomAD exomes below 0.00001.
gnomAD v4.1: 2 of 1,591,610 alleles (0.00013%); highest among the groups gnomAD compares: South Asian, 0.0023%; no homozygotes.

Submission:

Labcorp Genetics (formerly Invitae), Labcorp
Classification: Uncertain significance for Dyskeratosis congenita, autosomal dominant 2; Idiopathic Pulmonary Fibrosis. Last evaluated: 2025-09-16. Review status: criteria provided, single submitter. Criteria: Invitae Variant Classification Sherloc (09022015). Collection method: clinical testing. Allele origin: germline.
Comment: This sequence change replaces cysteine, which is neutral and slightly polar, with serine, which is neutral and polar, at codon 271 of the TERT protein (p.Cys271Ser). This variant is not present in population databases (gnomAD no frequency). This variant has not been reported in the literature in individuals affected with TERT-related conditions. ClinVar contains an entry for this variant (Variation ID: 1024656). Invitae Evidence Modeling of protein sequence and biophysical properties (such as structural, functional, and spatial information, amino acid conservation, physicochemical variation, residue mobility, and thermodynamic stability) indicates that this missense variant is not expected to disrupt TERT protein function with a negative predictive value of 95%. In summary, the available evidence is currently insufficient to determine the role of this variant in disease. Therefore, it has been classified as a Variant of Uncertain Significance.

NM_198253.3(TERT):c.812G>C (p.Cys271Ser)

Gene: TERT (telomerase reverse transcriptase; minus strand). Cytogenetic location: 5p15.33.
Variant type: single nucleotide variant.
Coding change: c.812G>C on transcript NM_198253.3 (MANE Select); coding-DNA position 812, G replaced by C.
Protein change: p.Cys271Ser; replaces cysteine 271 with serine.
Molecular consequence: missense variant. On other transcripts: non-coding transcript variant (2).
Genome position (GRCh38, 1-based): chr5:1,294,074, C>G on the plus strand (G>C on the coding strand, the complement: TERT is on the minus strand). VCF-style: chr5-1294074-C-G. GRCh37 (hg19) VCF-style: chr5-1294189-C-G.
Other names: c.812G>C, p.Cys271Ser (NM_001193376.3); short protein forms C271S.
Identifiers: ClinVar variation 1024656 (VCV001024656.47), dbSNP rs1751201697, ClinGen allele CA359056682.